The following is an entry in ClinVar:

NM_014946.4(SPAST):c.1417C>A (p.Gln473Lys)

Gene: SPAST (spastin; plus strand). Cytogenetic location: 2p22.3.
Variant type: single nucleotide variant.
Coding change: c.1417C>A on transcript NM_014946.4 (MANE Select); coding-DNA position 1417, C replaced by A.
Protein change: p.Gln473Lys; replaces glutamine 473 with lysine.
Molecular consequence: missense variant.
Genome position (GRCh38, 1-based): chr2:32,137,112, C>A. VCF-style: chr2-32137112-C-A. GRCh37 (hg19) VCF-style: chr2-32362181-C-A.
Other names: c.1414C>A, p.Gln472Lys (NM_001363823.2); c.1318C>A, p.Gln440Lys (NM_001363875.2); c.1321C>A, p.Gln441Lys (NM_001377959.1, NM_199436.2); short protein forms Q440K, Q441K, Q472K, Q473K.
Identifiers: ClinVar variation 3768839 (VCV003768839.2).

ClinVar aggregate classification (germline): Likely benign. Review status: criteria provided, multiple submitters, no conflicts (2 of 4 stars). 2 submissions from 2 submitters: Likely benign (2). Last evaluated 2025-10-15.

Conditions:
Inborn genetic diseases. Identifiers: MedGen C0950123, MeSH D030342.

gnomAD v4.1: 57 of 1,613,012 alleles (0.0035%); highest among the groups gnomAD compares: South Asian, 0.063%; 2 homozygotes.

Submissions (2):

Ambry Genetics
Classification: Likely benign for Inborn genetic diseases. Last evaluated: 2025-10-15. Review status: criteria provided, single submitter. Criteria: Ambry Variant Classification Scheme 2023. Collection method: clinical testing. Allele origin: germline.

Women's Health and Genetics/Laboratory Corporation of America, LabCorp
Classification: Likely benign. Last evaluated: 2025-02-24. Review status: criteria provided, single submitter. Criteria: LabCorp Variant Classification Summary - May 2015. Collection method: clinical testing. Allele origin: germline.
Comment: Variant summary: SPAST c.1417C>A (p.Gln473Lys) results in a conservative amino acid change located in the AAA+ ATPase domain (IPR003593) of the encoded protein sequence. Four of five in-silico tools predict a benign effect of the variant on protein function. The variant allele was found at a frequency of 3.5e-05 in 1606024 control chromosomes, predominantly at a frequency of 0.00063 within the South Asian subpopulation in the gnomAD database, including 2 homozygotes. To our knowledge, no occurrence of c.1417C>A in individuals affected with Spastic Paraplegia 4, Autosomal Dominant and no experimental evidence demonstrating its impact on protein function have been reported. No submitters have cited clinical-significance assessments for this variant to ClinVar. Based on the evidence outlined above, the variant was classified as likely benign.